The following is an entry in ClinVar:

NM_000368.5(TSC1):c.364-1G>C

Gene: TSC1 (TSC complex subunit 1; minus strand). Cytogenetic location: 9q34.13.
Variant type: single nucleotide variant.
Coding change: c.364-1G>C on transcript NM_000368.5 (MANE Select); the canonical splice acceptor site of the intron before coding-DNA position 364, G replaced by C.
Molecular consequence: splice acceptor variant.
Genome position (GRCh38, 1-based): chr9:132,923,493, C>G on the plus strand (G>C on the coding strand, the complement: TSC1 is on the minus strand). VCF-style: chr9-132923493-C-G. GRCh37 (hg19) VCF-style: chr9-135798880-C-G.
Other names: c.1-1G>C (NM_001406620.1, NM_001406618.1, NM_001406625.1 and 10 more transcripts); c.211-1G>C (NM_001406613.1, NM_001406612.1, NM_001406610.1 and 2 more transcripts); c.-514-1G>C (NM_001406627.1, NM_001406628.1, NM_001406626.1); c.-656-1G>C (NM_001406629.1); c.364-1G>C (NM_001406603.1, NM_001406609.1, NM_001406597.1 and 16 more transcripts); c.-730-1G>C (NM_001406630.1).
Identifiers: ClinVar variation 49035 (VCV000049035.10), dbSNP rs118203376, ClinGen allele CA007466.
Genomic context (GRCh38, chr9:132,923,493, plus strand): 5'-TGGTAGCATGGTTATCAACACCAAGACGCCTGTTGTGAGGACAACGACGTCAGTGTCCAT[C>G]TGCAGGAGAAAAGGTCAAACAGGAAACGTCTGTCAGGCACTGGCACCAGGATCGGCATTG-3'

ClinVar aggregate classification (germline): Pathogenic. Review status: criteria provided, single submitter (1 of 4 stars). 2 submissions from 2 submitters: Pathogenic (1). 1 of the submissions does not count toward it. Last evaluated 2025-05-01.

Conditions:
Tuberous sclerosis syndrome (TSC). Also called: Tuberous Sclerosis Complex; Tuberous sclerosis. Identifiers: Orphanet 805, MedGen C0041341, MONDO:0001734.
Tuberous sclerosis 1 (TSC1). Identifiers: Orphanet 805, MedGen C1854465, MONDO:0008612, OMIM 191100.

Submissions (2):

Labcorp Genetics (formerly Invitae), Labcorp
Classification: Pathogenic for Tuberous sclerosis 1. Last evaluated: 2025-05-01. Review status: criteria provided, single submitter. Criteria: Invitae Variant Classification Sherloc (09022015). Collection method: clinical testing. Allele origin: germline.
Comment: This sequence change affects an acceptor splice site in intron 5 of the TSC1 gene. It is expected to disrupt RNA splicing. Variants that disrupt the donor or acceptor splice site typically lead to a loss of protein function (PMID: 16199547), and loss-of-function variants in TSC1 are known to be pathogenic (PMID: 10227394, 17304050). This variant is not present in population databases (gnomAD no frequency). Disruption of this splice site has been observed in individuals with clinical features of tuberous sclerosis complex (PMID: 9863590; internal data). This variant is also known as c.585-1G>C. ClinVar contains an entry for this variant (Variation ID: 49035). Algorithms developed to predict the effect of sequence changes on RNA splicing suggest that this variant may disrupt the consensus splice site. For these reasons, this variant has been classified as Pathogenic.

Tuberous sclerosis database (TSC1)
No classification provided. Condition: TSC. Review status: no classification provided. Criteria: Tuberous Sclerosis Database Assertion Criteria 2015. Collection method: curation. Allele origin: germline. Affected: yes. Not counted in ClinVar's aggregate classification.

Literature cited by the submitters: PubMed 16199547 (cited by Labcorp Genetics (formerly Invitae), Labcorp); PubMed 10227394 (cited by Labcorp Genetics (formerly Invitae), Labcorp); PubMed 17304050 (cited by Labcorp Genetics (formerly Invitae), Labcorp); PubMed 9863590 (cited by Labcorp Genetics (formerly Invitae), Labcorp).